The following is an entry in ClinVar:

NM_000252.3(MTM1):c.421G>C (p.Ala141Pro)

Gene: MTM1 (myotubularin 1; plus strand). Cytogenetic location: Xq28.
Variant type: single nucleotide variant.
Coding change: c.421G>C on transcript NM_000252.3 (MANE Select); coding-DNA position 421, G replaced by C.
Protein change: p.Ala141Pro; replaces alanine 141 with proline.
Molecular consequence: missense variant.
Genome position (GRCh38, 1-based): chrX:150,619,116, G>C. VCF-style: chrX-150619116-G-C. GRCh37 (hg19) VCF-style: chrX-149787589-G-C.
Other names: c.421G>C, p.Ala141Pro (NM_001376906.1, NM_001376908.1); c.310G>C, p.Ala104Pro (NM_001376907.1); short protein forms A104P, A141P.
Identifiers: ClinVar variation 1008778 (VCV001008778.9), dbSNP rs1557413215, ClinGen allele CA415251578.
Genomic context (GRCh38, chrX:150,619,116, plus strand): 5'-TTCGCTTTGAAACAGGAAGGCCACAGCAGAAGAGATATGTTTGAGATCCTCACGAGATAC[G>C]CGTTTCCCCTGGCTCACAGTCTGGTAAATTCCAGTGCTCTCCTCAGCGTGGGAAGGTTCT-3'
Protein context (NP_000243.1, residues 131-151): RDMFEILTRY[Ala141Pro]FPLAHSLPLF

ClinVar aggregate classification (germline): Uncertain significance (1 of 4 stars; one submission).

Conditions:
Severe X-linked myotubular myopathy (CNMX). Also called: MYOTUBULAR MYOPATHY 1; X-linked centronuclear myopathy; Myotubular myopathy, X-linked. Identifiers: Orphanet 596, MedGen C0410203, MONDO:0010683, OMIM 310400.

Submission:

Labcorp Genetics (formerly Invitae), Labcorp
Classification: Uncertain significance for Severe X-linked myotubular myopathy. Last evaluated: 2020-04-05. Review status: criteria provided, single submitter. Criteria: Invitae Variant Classification Sherloc (09022015). Collection method: clinical testing. Allele origin: germline.
Comment: In summary, the available evidence is currently insufficient to determine the role of this variant in disease. Therefore, it has been classified as a Variant of Uncertain Significance. Algorithms developed to predict the effect of missense changes on protein structure and function are either unavailable or do not agree on the potential impact of this missense change (SIFT: "Deleterious"; PolyPhen-2: "Probably Damaging"; Align-GVGD: "Class C0"). This variant has not been reported in the literature in individuals with MTM1-related conditions. This variant is not present in population databases (ExAC no frequency). This sequence change replaces alanine with proline at codon 141 of the MTM1 protein (p.Ala141Pro). The alanine residue is highly conserved and there is a small physicochemical difference between alanine and proline.